The following is an entry in ClinVar:

NM_001401501.2(MUC16):c.8114T>C (p.Phe2705Ser)

Gene: MUC16 (mucin 16, cell surface associated; minus strand). Cytogenetic location: 19p13.2.
Variant type: single nucleotide variant.
Coding change: c.8114T>C on transcript NM_001401501.2 (MANE Select); coding-DNA position 8114, T replaced by C.
Protein change: p.Phe2705Ser; replaces phenylalanine 2705 with serine.
Molecular consequence: missense variant.
Genome position (GRCh38, 1-based): chr19:8,973,145, A>G on the plus strand (T>C on the coding strand, the complement: MUC16 is on the minus strand). VCF-style: chr19-8973145-A-G. GRCh37 (hg19) VCF-style: chr19-9083821-A-G.
Other names: c.8540T>C, p.Phe2847Ser (NM_001414686.1); c.7994T>C, p.Phe2665Ser (NM_001414687.1, NM_024690.2); short protein forms F2665S, F2705S, F2847S.
Identifiers: ClinVar variation 3037938 (VCV003037938.2), dbSNP rs115267382, ClinGen allele CA9172065.

ClinVar aggregate classification (germline): Benign (0 of 4 stars; one submission).

Conditions:
MUC16-related disorder. Also called: MUC16-related condition.

Allele frequency attached by ClinVar (database versions not stated): gnomAD exomes 0.00117; ExAC 0.00337; 1000 Genomes Project 0.01078; 1000 Genomes Project 30x 0.01109; gnomAD 0.01162; ESP Exome Variant Server 0.01223; TOPMed 0.01374.

Submission:

PreventionGenetics, part of Exact Sciences
Classification: Benign for MUC16-related condition. Last evaluated: 2019-06-06. Review status: no assertion criteria provided. Collection method: clinical testing. Allele origin: germline.
Comment: This variant is classified as benign based on ACMG/AMP sequence variant interpretation guidelines (Richards et al. 2015 PMID: 25741868, with internal and published modifications).